The following is an entry in ClinVar:

ClinVar aggregate classification (germline): Uncertain significance. Review status: criteria provided, multiple submitters, no conflicts (2 of 4 stars). 2 submissions from 2 submitters: Uncertain significance (2). Last evaluated 2022-02-07.

Conditions:
Charcot-Marie-Tooth disease. Also called: Charcot-Marie-Tooth Hereditary Neuropathy; Charcot-Marie-Tooth Neuropathy. Identifiers: Orphanet 166, MedGen C0007959, MONDO:0015626.
Charcot-Marie-Tooth disease type 4. Also called: Charcot-Marie-Tooth disease, type IV; Charcot-Marie-Tooth, Type 4. Identifiers: Orphanet 64749, MedGen C4082197, MONDO:0018995.

Allele frequency attached by ClinVar (database versions not stated): TOPMed 0.00003; gnomAD 0.00004; gnomAD exomes 0.00004 and 0.00007; ExAC 0.00009; 1000 Genomes Project 0.00020; 1000 Genomes Project 30x 0.00031.
gnomAD v4.1: 65 of 1,614,104 alleles (0.004%); highest among the groups gnomAD compares: South Asian, 0.041%; no homozygotes.

Submissions (2):

Labcorp Genetics (formerly Invitae), Labcorp
Classification: Uncertain significance for Charcot-Marie-Tooth disease type 4. Last evaluated: 2022-02-07. Review status: criteria provided, single submitter. Criteria: Invitae Variant Classification Sherloc (09022015). Collection method: clinical testing. Allele origin: germline.
Comment: This sequence change replaces arginine, which is basic and polar, with glutamine, which is neutral and polar, at codon 520 of the SBF2 protein (p.Arg520Gln). This variant is present in population databases (rs546485749, gnomAD 0.04%). This missense change has been observed in individual(s) with suspected Charcot-Marie-Tooth disease (PMID: 32376792). ClinVar contains an entry for this variant (Variation ID: 649958). Algorithms developed to predict the effect of missense changes on protein structure and function are either unavailable or do not agree on the potential impact of this missense change (SIFT: "Deleterious"; PolyPhen-2: "Benign"; Align-GVGD: "Class C0"). In summary, the available evidence is currently insufficient to determine the role of this variant in disease. Therefore, it has been classified as a Variant of Uncertain Significance.

Molecular Genetics Laboratory, London Health Sciences Centre
Classification: Uncertain significance for Charcot-Marie-Tooth disease. Review status: criteria provided, single submitter. Criteria: ACMG Guidelines, 2015. Collection method: clinical testing. Allele origin: germline. Affected: yes.

Literature cited by the submitters: PubMed 32376792 (cited by Labcorp Genetics (formerly Invitae), Labcorp).

NM_030962.4(SBF2):c.1559G>A (p.Arg520Gln)

Gene: SBF2 (SET binding factor 2; minus strand). Cytogenetic location: 11p15.4.
Variant type: single nucleotide variant.
Coding change: c.1559G>A on transcript NM_030962.4 (MANE Select); coding-DNA position 1559, G replaced by A.
Protein change: p.Arg520Gln; replaces arginine 520 with glutamine.
Molecular consequence: missense variant.
Genome position (GRCh38, 1-based): chr11:9,968,382, C>T on the plus strand (G>A on the coding strand, the complement: SBF2 is on the minus strand). VCF-style: chr11-9968382-C-T. GRCh37 (hg19) VCF-style: chr11-9989929-C-T.
Other names: c.1559G>A, p.Arg520Gln (NM_001386339.1); c.1430G>A, p.Arg477Gln (NM_001386342.1); short protein forms R520Q, R477Q.
Identifiers: ClinVar variation 649958 (VCV000649958.7), dbSNP rs546485749, ClinGen allele CA5881808.